The following is an entry in ClinVar:

ClinVar aggregate classification (germline): Uncertain significance. Review status: criteria provided, multiple submitters, no conflicts (2 of 4 stars). 2 submissions from 2 submitters: Uncertain significance (2). Last evaluated 2026-09-02.

Conditions:
PDZD7-related disorder. Also called: PDZD7-related disorders; PDZD7-related condition.

gnomAD v4.1: 15 of 1,614,090 alleles (0.00093%); highest among the groups gnomAD compares: African/African-American, 0.0067%; no homozygotes.

Submissions (2):

PreventionGenetics, part of Exact Sciences
Classification: Uncertain significance for PDZD7-related condition. Last evaluated: 2026-09-02. Review status: criteria provided, single submitter. Criteria: ACMG Guidelines, 2015. Collection method: clinical testing. Allele origin: germline.
Comment: The PDZD7 c.823G>A variant is predicted to result in the amino acid substitution p.Val275Met. To our knowledge, this variant has not been reported in the literature. This variant is reported in 0.010% of alleles in individuals of East Asian descent in gnomAD. At this time, the clinical significance of this variant is uncertain due to the absence of conclusive functional and genetic evidence.

Blueprint Genetics
Classification: Uncertain significance. Last evaluated: 2022-10-15. Review status: criteria provided, single submitter. Criteria: ACMG Guidelines, 2015. Collection method: clinical testing. Allele origin: germline.

NM_001195263.2(PDZD7):c.823G>A (p.Val275Met)

Gene: PDZD7 (PDZ domain containing 7; minus strand). Cytogenetic location: 10q24.31.
Variant type: single nucleotide variant.
Coding change: c.823G>A on transcript NM_001195263.2 (MANE Select); coding-DNA position 823, G replaced by A.
Protein change: p.Val275Met; replaces valine 275 with methionine.
Molecular consequence: missense variant.
Genome position (GRCh38, 1-based): chr10:101,021,842, C>T on the plus strand (G>A on the coding strand, the complement: PDZD7 is on the minus strand). VCF-style: chr10-101021842-C-T. GRCh37 (hg19) VCF-style: chr10-102781599-C-T.
Other names: c.823G>A, p.Val275Met (NM_001351044.2, NM_001437429.1, NM_024895.5); c.823G>A (NM_001195263.1); short protein forms V275M.
Identifiers: ClinVar variation 4909299 (VCV004909299.2).